The following is an entry in ClinVar:

NM_017617.5(NOTCH1):c.7511T>C (p.Val2504Ala)

Gene: NOTCH1 (notch receptor 1; minus strand). Cytogenetic location: 9q34.3.
Variant type: single nucleotide variant.
Coding change: c.7511T>C on transcript NM_017617.5 (MANE Select); coding-DNA position 7511, T replaced by C.
Protein change: p.Val2504Ala; replaces valine 2504 with alanine.
Molecular consequence: missense variant.
Genome position (GRCh38, 1-based): chr9:136,496,228, A>G on the plus strand (T>C on the coding strand, the complement: NOTCH1 is on the minus strand). VCF-style: chr9-136496228-A-G. GRCh37 (hg19) VCF-style: chr9-139390680-A-G.
Other names: short protein forms V2504A.
Identifiers: ClinVar variation 4635467 (VCV004635467.2).

ClinVar aggregate classification (germline): Uncertain significance. Review status: criteria provided, multiple submitters, no conflicts (2 of 4 stars). 2 submissions from 2 submitters: Uncertain significance (2). Last evaluated 2025-09-18.

Conditions:
Adams-Oliver syndrome 5 (AOS5). Identifiers: Orphanet 974, MedGen C4014970, MONDO:0014459, OMIM 616028.
Familial thoracic aortic aneurysm and aortic dissection (TAAD). Also called: Thoracic aortic aneurysms and dissections. Identifiers: Orphanet 91387, MedGen C4707243, MONDO:0019625.

Submissions (2):

Ambry Genetics
Classification: Uncertain significance for Familial thoracic aortic aneurysm and aortic dissection. Last evaluated: 2025-09-18. Review status: criteria provided, single submitter. Criteria: Ambry Variant Classification Scheme 2023. Collection method: clinical testing. Allele origin: germline.
Comment: The p.V2504A variant (also known as c.7511T>C), located in coding exon 34 of the NOTCH1 gene, results from a T to C substitution at nucleotide position 7511. The valine at codon 2504 is replaced by alanine, an amino acid with similar properties. This amino acid position is conserved. In addition, the in silico prediction for this alteration is inconclusive. Based on the available evidence, the clinical significance of this variant remains unclear.

Labcorp Genetics (formerly Invitae), Labcorp
Classification: Uncertain significance for Adams-Oliver syndrome 5. Last evaluated: 2025-05-13. Review status: criteria provided, single submitter. Criteria: Invitae Variant Classification Sherloc (09022015). Collection method: clinical testing. Allele origin: germline.
Comment: This sequence change replaces valine, which is neutral and non-polar, with alanine, which is neutral and non-polar, at codon 2504 of the NOTCH1 protein (p.Val2504Ala). This variant is not present in population databases (gnomAD no frequency). This variant has not been reported in the literature in individuals affected with NOTCH1-related conditions. Invitae Evidence Modeling of protein sequence and biophysical properties (such as structural, functional, and spatial information, amino acid conservation, physicochemical variation, residue mobility, and thermodynamic stability) indicates that this missense variant is not expected to disrupt NOTCH1 protein function with a negative predictive value of 80%. In summary, the available evidence is currently insufficient to determine the role of this variant in disease. Therefore, it has been classified as a Variant of Uncertain Significance.